The following is an entry in ClinVar:

NM_015662.3(IFT172):c.5029G>A (p.Ala1677Thr)

Genes: IFT172 (intraflagellar transport 172; minus strand), KRTCAP3 (keratinocyte associated protein 3; plus strand). Cytogenetic location: 2p23.3.
Variant type: single nucleotide variant.
Coding change: c.5029G>A on transcript NM_015662.3 (MANE Select); coding-DNA position 5029, G replaced by A.
Protein change: p.Ala1677Thr; replaces alanine 1677 with threonine.
Molecular consequence: missense variant. On other transcripts: intron variant (1).
Genome position (GRCh38, 1-based): chr2:27,445,335, C>T on the plus strand (G>A on the coding strand, the complement: IFT172 is on the minus strand). VCF-style: chr2-27445335-C-T. GRCh37 (hg19) VCF-style: chr2-27668202-C-T.
Other names: c.4963G>A, p.Ala1655Thr (NM_001410739.1); c.*6-966C>T (NM_001168364.2); short protein forms A1655T, A1677T.
Identifiers: ClinVar variation 4994161 (VCV004994161.1).

ClinVar aggregate classification (germline): Uncertain significance (1 of 4 stars; one submission).

Conditions:
IFT172-related disorder. Also called: IFT172-related condition; IFT172-related disorders.

Submission:

PreventionGenetics, part of Exact Sciences
Classification: Uncertain significance for IFT172-related condition. Last evaluated: 2026-01-02. Review status: criteria provided, single submitter. Criteria: ACMG Guidelines, 2015. Collection method: clinical testing. Allele origin: germline.
Comment: The IFT172 c.5029G>A variant is predicted to result in the amino acid substitution p.Ala1677Thr. To our knowledge, this variant has not been reported in the literature or in a large population database (gnomAD), indicating this variant is rare. At this time, the clinical significance of this variant is uncertain due to the absence of conclusive functional and genetic evidence.